The following is an entry in ClinVar:

ClinVar aggregate classification (germline): Uncertain significance. Review status: criteria provided, multiple submitters, no conflicts (2 of 4 stars). 6 submissions from 6 submitters: Uncertain significance (6). Last evaluated 2024-08-22.

Conditions:
Hereditary breast ovarian cancer syndrome. Also called: Hereditary breast and ovarian cancer syndrome (HBOC); Breast and ovarian cancer; Hereditary breast and ovarian cancer syndrome; Hereditary breast and ovarian cancer; BRCA1- and BRCA2-Associated Hereditary Breast and Ovarian Cancer; Hereditary breast and/or ovarian cancer syndrome. Identifiers: Orphanet 145, MedGen C0677776, MeSH D061325, MONDO:0003582. Disease mechanism: loss of function.
Hereditary cancer-predisposing syndrome. Also called: Hereditary Cancer Syndrome; Neoplastic Syndromes, Hereditary; Hereditary neoplastic syndrome; Tumor predisposition. Identifiers: Orphanet 140162, MedGen C0027672, MeSH D009386, MONDO:0015356.
Breast-ovarian cancer, familial, susceptibility to, 1 (BROVCA1). Also called: BRCA1 Hereditary Breast and Ovarian Cancer; OVARIAN CANCER, SUSCEPTIBILITY TO. Identifiers: Orphanet 145, MedGen C2676676, MONDO:0011450, OMIM 604370. Disease mechanism: loss of function.

Submissions (6):

Women's Health and Genetics/Laboratory Corporation of America, LabCorp
Classification: Uncertain significance. Last evaluated: 2024-08-22. Review status: criteria provided, single submitter. Criteria: LabCorp Variant Classification Summary - May 2015. Collection method: clinical testing. Allele origin: germline.

Quest Diagnostics Nichols Institute San Juan Capistrano
Classification: Uncertain significance. Last evaluated: 2024-01-30. Review status: criteria provided, single submitter. Criteria: Quest Diagnostics criteria. Collection method: clinical testing. Allele origin: unknown.
Comment: The BRCA1 c.4205A>C (p.His1402Pro) variant has not been reported in individuals with BRCA1-related conditions in the published literature. It also has not been reported in large, multi-ethnic general populations (Genome Aggregation Database). Analysis of this variant using bioinformatics tools for the prediction of the effect of amino acid changes on protein structure and function yielded predictions that this variant is benign. Based on the available information, we are unable to determine the clinical significance of this variant.

All of Us Research Program, National Institutes of Health
Classification: Uncertain significance for Breast-ovarian cancer, familial, susceptibility to, 1. Last evaluated: 2023-05-30. Review status: criteria provided, single submitter. Criteria: ACMG Guidelines, 2015. Collection method: clinical testing. Allele origin: germline. Inheritance: Autosomal dominant inheritance. Observed: 2 variant alleles, 2 heterozygotes.
Comment: This missense variant replaces histidine with proline at codon 1402 of the BRCA1 protein. Computational prediction suggests that this variant may not impact protein structure and function (internally defined REVEL score threshold <= 0.5, PMID: 27666373). To our knowledge, functional studies have not been reported for this variant. This variant has not been reported in individuals affected with BRCA1-related disorders in the literature. This variant has not been identified in the general population by the Genome Aggregation Database (gnomAD). The available evidence is insufficient to determine the role of this variant in disease conclusively. Therefore, this variant is classified as a Variant of Uncertain Significance.

This study involves interpretation of variants in research participants for the purpose of population health screening. Participant phenotype was not available at the time of variant classification. Additional details can be found in publication PMID: 35346344, PMCID: PMC8962531

Labcorp Genetics (formerly Invitae), Labcorp
Classification: Uncertain significance for Hereditary breast ovarian cancer syndrome. Last evaluated: 2022-06-18. Review status: criteria provided, single submitter. Criteria: Invitae Variant Classification Sherloc (09022015). Collection method: clinical testing. Allele origin: germline.
Comment: This sequence change replaces histidine, which is basic and polar, with proline, which is neutral and non-polar, at codon 1402 of the BRCA1 protein (p.His1402Pro). This variant is not present in population databases (gnomAD no frequency). This variant has not been reported in the literature in individuals affected with BRCA1-related conditions. ClinVar contains an entry for this variant (Variation ID: 240800). Advanced modeling of protein sequence and biophysical properties (such as structural, functional, and spatial information, amino acid conservation, physicochemical variation, residue mobility, and thermodynamic stability) performed at Invitae indicates that this missense variant is not expected to disrupt BRCA1 protein function. In summary, the available evidence is currently insufficient to determine the role of this variant in disease. Therefore, it has been classified as a Variant of Uncertain Significance.

Sema4
Classification: Uncertain significance for Hereditary cancer-predisposing syndrome. Last evaluated: 2021-11-27. Review status: criteria provided, single submitter. Criteria: Sema4 Curation Guidelines. Collection method: curation. Allele origin: germline.
Comment: The BRCA1 c.4205A>C (p.H1402P) variant has not been reported in the literature to our knowledge. This variant is not reported in the large and broad cohorts of the Genome Aggregation Database (PMID: 32461654). This variant has been reported in ClinVar (Variation ID 240800). Functional studies have not been performed, and in silico predictions of the variant's effect on protein function are inconclusive. The overall evidence is insufficient to meet ACMG/AMP criteria for classifying it as benign or pathogenic. In summary, the clinical significance of this variant is currently uncertain.

Ambry Genetics
Classification: Uncertain significance for Hereditary cancer-predisposing syndrome. Last evaluated: 2021-06-21. Review status: criteria provided, single submitter. Criteria: Ambry Variant Classification Scheme 2023. Collection method: clinical testing. Allele origin: germline.
Comment: The p.H1402P variant (also known as c.4205A>C), located in coding exon 11 of the BRCA1 gene, results from an A to C substitution at nucleotide position 4205. The histidine at codon 1402 is replaced by proline, an amino acid with similar properties. This amino acid position is conserved. In addition, the in silico prediction for this alteration is inconclusive. Since supporting evidence is limited at this time, the clinical significance of this alteration remains unclear.

NM_007294.4(BRCA1):c.4205A>C (p.His1402Pro)

Gene: BRCA1 (BRCA1 DNA repair associated; minus strand). Cytogenetic location: 17q21.31.
Variant type: single nucleotide variant.
Coding change: c.4205A>C on transcript NM_007294.4 (MANE Select); coding-DNA position 4205, A replaced by C.
Protein change: p.His1402Pro; replaces histidine 1402 with proline.
Molecular consequence: missense variant. On other transcripts: non-coding transcript variant (1).
Genome position (GRCh38, 1-based): chr17:43,082,556, T>G on the plus strand (A>C on the coding strand, the complement: BRCA1 is on the minus strand). VCF-style: chr17-43082556-T-G. GRCh37 (hg19) VCF-style: chr17-41234573-T-G.
Other names: c.4082A>C, p.His1361Pro (NM_001407665.1, NM_001407666.1, NM_001407667.1 and 13 more transcripts); c.4079A>C, p.His1360Pro (NM_001407681.1, NM_001407682.1, NM_001407683.1 and 12 more transcripts); c.4205A>C, p.His1402Pro (NM_001407684.1, NM_001407854.1, NM_001407858.1 and 23 more transcripts); c.4076A>C, p.His1359Pro (NM_001407685.1, NM_001407686.1, NM_001407687.1 and 2 more transcripts); c.4064A>C, p.His1355Pro (NM_001407724.1, NM_001407725.1, NM_001407726.1 and 23 more transcripts); c.4061A>C, p.His1354Pro (NM_001407743.1, NM_001407744.1, NM_001407745.1 and 23 more transcripts); c.4058A>C, p.His1353Pro (NM_001407848.1, NM_001407849.1, NM_001407847.1); c.3992A>C, p.His1331Pro (NM_001407853.1, NM_001407894.1, NM_001407895.1 and 12 more transcripts); and 51 more; short protein forms H1402P, H299P, H1355P, H1106P, H1291P, H1330P, H1334P, H1359P.
Identifiers: ClinVar variation 240800 (VCV000240800.15), dbSNP rs80356882, ClinGen allele CA10583562.
Genomic context (GRCh38, chr17:43,082,556, plus strand): 5'-CCATGCTGTTCTAACACAGCTTCTAGTTCAGCCATTTCCTGCTGGAGCTTTATCAGGTTA[T>G]GTTGCATGGTATCCCTCTGCTTCAAAAACGATAAATGGCACCAAGAAAATGAAATACTTT-3'
Protein context (NP_009225.1, residues 1392-1412): LTTQQRDTMQ[His1402Pro]NLIKLQQEMA